The following is an entry in ClinVar:

NM_001372044.2(SHANK3):c.2632A>G (p.Met878Val)

Gene: SHANK3 (SH3 and multiple ankyrin repeat domains 3; plus strand). Cytogenetic location: 22q13.33.
Variant type: single nucleotide variant.
Coding change: c.2632A>G on transcript NM_001372044.2 (MANE Select); coding-DNA position 2632, A replaced by G.
Protein change: p.Met878Val; replaces methionine 878 with valine.
Molecular consequence: missense variant.
Genome position (GRCh38, 1-based): chr22:50,720,240, A>G. VCF-style: chr22-50720240-A-G. GRCh37 (hg19) VCF-style: chr22-51158668-A-G.
Other names: c.2407A>G (NM_033517.1); short protein forms M878V.
Identifiers: ClinVar variation 3361141 (VCV003361141.1).

ClinVar aggregate classification (germline): Uncertain significance (1 of 4 stars; one submission).

Submission:

GeneDx
Classification: Uncertain significance. Last evaluated: 2023-07-16. Review status: criteria provided, single submitter. Criteria: GeneDx Variant Classification Process June 2021. Collection method: clinical testing. Allele origin: germline. Affected: yes.
Comment: Not observed at significant frequency in large population cohorts (gnomAD); In silico analysis supports that this missense variant does not alter protein structure/function; Has not been previously published as pathogenic or benign to our knowledge